The following is an entry in ClinVar:

NC_000003.11:g.(?_4403828)_(4842304_?)dup

Genes: EGOT (eosinophil granule ontogeny transcript; minus strand), ITPR1 (inositol 1,4,5-trisphosphate receptor type 1; plus strand), SUMF1 (sulfatase modifying factor 1; minus strand). Cytogenetic location: 3p26.1.
Variant type: Duplication.
Identifiers: ClinVar variation 2424373 (VCV002424373.4).

ClinVar aggregate classification (germline): Uncertain significance (1 of 4 stars; one submission).

Submission:

Labcorp Genetics (formerly Invitae), Labcorp
Classification: Uncertain significance. Last evaluated: 2022-06-04. Review status: criteria provided, single submitter. Criteria: Invitae Variant Classification Sherloc (09022015). Collection method: clinical testing. Allele origin: germline.
Comment: Experimental studies and prediction algorithms are not available or were not evaluated, and the functional significance of this variant is currently unknown. This variant has not been reported in the literature in individuals affected with ITPR1-related conditions. This variant results in a copy number gain of the genomic region encompassing exon(s) 1-50 of the ITPR1 gene. This region includes the initiator codon of the gene. This copy number gain extends beyond the assayed region for this gene and therefore may encompass additional genes. As the precise location of this event is unknown, it may be in tandem or it may be located elsewhere in the genome. In summary, the available evidence is currently insufficient to determine the role of this variant in disease. Therefore, it has been classified as a Variant of Uncertain Significance.